The following is an entry in ClinVar:

NC_000015.9:g.(?_28235702)_(28277329_?)del

Gene: OCA2 (OCA2 melanosomal transmembrane protein; minus strand). Cytogenetic location: 15q13.1.
Variant type: Deletion.
Identifiers: ClinVar variation 2422774 (VCV002422774.4).

ClinVar aggregate classification (germline): Pathogenic (1 of 4 stars; one submission).

Submission:

Labcorp Genetics (formerly Invitae), Labcorp
Classification: Pathogenic. Last evaluated: 2022-05-05. Review status: criteria provided, single submitter. Criteria: Invitae Variant Classification Sherloc (09022015). Collection method: clinical testing. Allele origin: germline.
Comment: This variant is a gross deletion of the genomic region encompassing exon(s) 3-10 of the OCA2 gene. This deletion is out-of-frame, and is expected to create a premature termination codon and result in an absent or disrupted protein product. Loss-of-function variants in OCA2 are known to be pathogenic (PMID: 19865097, 21541274). This variant has not been reported in the literature in individuals affected with OCA2-related conditions. For these reasons, this variant has been classified as Pathogenic.

Literature cited by the submitters: PubMed 19865097; PubMed 21541274.